The following is an entry in ClinVar:

NM_020117.11(LARS1):c.1738+15A>G

Gene: LARS1 (leucyl-tRNA synthetase 1; minus strand). Cytogenetic location: 5q32.
Variant type: single nucleotide variant.
Coding change: c.1738+15A>G on transcript NM_020117.11 (MANE Select); 15 bases into the intron after coding-DNA position 1738, A replaced by G.
Molecular consequence: intron variant.
Genome position (GRCh38, 1-based): chr5:146,144,252, T>C on the plus strand (A>G on the coding strand, the complement: LARS1 is on the minus strand). VCF-style: chr5-146144252-T-C. GRCh37 (hg19) VCF-style: chr5-145523815-T-C.
Other names: c.1576+15A>G (NM_001317965.2); c.1657+15A>G (NM_016460.4); c.1600+15A>G (NM_001317964.2).
Identifiers: ClinVar variation 381037 (VCV000381037.2), dbSNP rs370031023, ClinGen allele CA3489524.
Genomic context (GRCh38, chr5:146,144,252, plus strand): 5'-GGGGAAAGGTAAAAATGTATATTTTCTGTGTAACTGGCAAAGTTATCCAAACAGAAAAAT[T>C]TCAAGTTTGTTTACCTAGACCATAAGTTCTTGAGCAAGCATGTTCTTGTAGCCAACCTAA-3'

ClinVar aggregate classification (germline): Likely benign. Review status: criteria provided, multiple submitters, no conflicts (2 of 4 stars). 2 submissions from 2 submitters: Likely benign (2). Last evaluated 2021-03-12.

Allele frequency attached by ClinVar (database versions not stated): gnomAD 0.00001; ExAC 0.00003; gnomAD exomes 0.00004 and 0.00014; TOPMed 0.00005; ESP Exome Variant Server 0.00015.
gnomAD v4.1: 198 of 1,586,086 alleles (0.012%); highest among the groups gnomAD compares: Non-Finnish European, 0.017%; no homozygotes.

Submissions (2):

Blueprint Genetics
Classification: Likely benign. Last evaluated: 2021-03-12. Review status: criteria provided, single submitter. Criteria: ACMG Guidelines, 2015. Collection method: clinical testing. Allele origin: germline.

GeneDx
Classification: Likely benign. Last evaluated: 2015-10-26. Review status: criteria provided, single submitter. Criteria: GeneDx Variant Classification (06012015). Collection method: clinical testing. Allele origin: germline. Affected: yes.
Comment: This variant is considered likely benign or benign based on one or more of the following criteria: it is a conservative change, it occurs at a poorly conserved position in the protein, it is predicted to be benign by multiple in silico algorithms, and/or has population frequency not consistent with disease.